The following is an entry in ClinVar:

ClinVar aggregate classification (germline): Pathogenic. Review status: criteria provided, multiple submitters, no conflicts (2 of 4 stars). 2 submissions from 2 submitters: Pathogenic (2). Last evaluated 2019-10-28.

Conditions:
Intellectual disability-severe speech delay-mild dysmorphism syndrome (IDDLA). Also called: Mental retardation with language impairment and autistic features; FOXP1 Syndrome; Intellectual developmental disorder with language impairment AND with or without autistic features. Identifiers: Orphanet 391372, MedGen C4013764, MONDO:0013352, OMIM 613670.

Submissions (2):

Institute of Human Genetics, University of Leipzig Medical Center
Classification: Pathogenic for Intellectual disability-severe speech delay-mild dysmorphism syndrome. Last evaluated: 2019-10-28. Review status: criteria provided, single submitter. Criteria: ACMG Guidelines, 2015. Collection method: clinical testing. Allele origin: de novo. Affected: yes.
Comment: The variant was identified as de novo (maternity and paternity confirmed)

Institute of Human Genetics, University Hospital of Duesseldorf
Classification: Pathogenic for Intellectual disability-severe speech delay-mild dysmorphism syndrome. Review status: criteria provided, single submitter. Criteria: ACMG Guidelines, 2015. Collection method: not provided. Allele origin: germline. Inheritance: Autosomal dominant inheritance. Affected: yes.

NM_001349338.3(FOXP1):c.1409A>T (p.Tyr470Phe)

Gene: FOXP1 (forkhead box P1; minus strand). Cytogenetic location: 3p13.
Variant type: single nucleotide variant.
Coding change: c.1409A>T on transcript NM_001349338.3 (MANE Select); coding-DNA position 1409, A replaced by T.
Protein change: p.Tyr470Phe; replaces tyrosine 470 with phenylalanine.
Molecular consequence: missense variant. On other transcripts: non-coding transcript variant (2).
Genome position (GRCh38, 1-based): chr3:70,977,662, T>A on the plus strand (A>T on the coding strand, the complement: FOXP1 is on the minus strand). VCF-style: chr3-70977662-T-A. GRCh37 (hg19) VCF-style: chr3-71026813-T-A.
Other names: c.1406A>T, p.Tyr469Phe (NM_001244808.3, NM_001349341.3); c.1409A>T, p.Tyr470Phe (NM_001244810.2, NM_001244814.3, NM_001244816.2 and 2 more transcripts); c.1181A>T, p.Tyr394Phe (NM_001244812.3); c.1109A>T, p.Tyr370Phe (NM_001244813.3, NM_001244815.2, NM_001349342.3); c.1106A>T, p.Tyr369Phe (NM_001349337.2, NM_001349343.3, NM_001349344.3 and 1 more transcripts); short protein forms Y369F, Y469F, Y394F, Y370F, Y470F.
Identifiers: ClinVar variation 873452 (VCV000873452.2), dbSNP rs769448730, ClinGen allele CA353493237.